The following is an entry in ClinVar:

NM_001261826.3(AP3D1):c.167C>G (p.Ala56Gly)

Gene: AP3D1 (adaptor related protein complex 3 subunit delta 1; minus strand). Cytogenetic location: 19p13.3.
Variant type: single nucleotide variant.
Coding change: c.167C>G on transcript NM_001261826.3 (MANE Select); coding-DNA position 167, C replaced by G.
Protein change: p.Ala56Gly; replaces alanine 56 with glycine.
Molecular consequence: missense variant.
Genome position (GRCh38, 1-based): chr19:2,138,644, G>C on the plus strand (C>G on the coding strand, the complement: AP3D1 is on the minus strand). VCF-style: chr19-2138644-G-C. GRCh37 (hg19) VCF-style: chr19-2138643-G-C.
Other names: c.167C>G, p.Ala56Gly (NM_001374799.1, NM_003938.8); short protein forms A56G.
Identifiers: ClinVar variation 1440756 (VCV001440756.8), dbSNP rs935169340, ClinGen allele CA403232950.
Genomic context (GRCh38, chr19:2,138,644, plus strand): 5'-ACAGTGCTGGGCGCTGGCCACTGGGAGGCACTTACATACGTCAGCTTGCAGACCGCGTTC[G>C]CCTTCACCGCTATGTTGTCCTGCTTCAGCTCCTGCTTGATCTCATCAATGCACTGAGATA-3'
Protein context (NP_001248755.1, residues 46-66): ELKQDNIAVK[Ala56Gly]NAVCKLTYLQ

ClinVar aggregate classification (germline): Uncertain significance (1 of 4 stars; one submission).

Allele frequency attached by ClinVar (database versions not stated): gnomAD exomes below 0.00001; gnomAD 0.00001; TOPMed 0.00001.
gnomAD v4.1: 26 of 1,613,748 alleles (0.0016%); highest among the groups gnomAD compares: Non-Finnish European, 0.0019%; no homozygotes.

Submission:

Labcorp Genetics (formerly Invitae), Labcorp
Classification: Uncertain significance. Last evaluated: 2021-04-02. Review status: criteria provided, single submitter. Criteria: Invitae Variant Classification Sherloc (09022015). Collection method: clinical testing. Allele origin: germline.
Comment: In summary, the available evidence is currently insufficient to determine the role of this variant in disease. Therefore, it has been classified as a Variant of Uncertain Significance. Algorithms developed to predict the effect of missense changes on protein structure and function are either unavailable or do not agree on the potential impact of this missense change (SIFT: "Tolerated"; PolyPhen-2: "Possibly Damaging"; Align-GVGD: "Class C0"). This variant has not been reported in the literature in individuals with AP3D1-related conditions. This variant is not present in population databases (ExAC no frequency). This sequence change replaces alanine with glycine at codon 56 of the AP3D1 protein (p.Ala56Gly). The alanine residue is highly conserved and there is a small physicochemical difference between alanine and glycine.